The following is an entry in ClinVar:

NM_005502.4(ABCA1):c.4347_4348del (p.Phe1449fs)

Gene: ABCA1 (ATP binding cassette subfamily A member 1; minus strand). Cytogenetic location: 9q31.1.
Variant type: Deletion.
Coding change: c.4347_4348del on transcript NM_005502.4 (MANE Select); coding-DNA positions 4347 to 4348, 2 bases deleted (CC; older notation c.4347_4348delCC).
Protein change: p.Phe1449fs; shifts the reading frame from phenylalanine 1449.
Molecular consequence: frameshift variant.
Genome position (GRCh38, 1-based): chr9:104,806,357-104,806,358, GG deleted on the plus strand (CC on the coding strand, the reverse complement: ABCA1 is on the minus strand). VCF-style (leftmost placement, unchanged base first): chr9-104806356-TGG-T. GRCh37 (hg19) VCF-style: chr9-107568637-TGG-T.
Other names: short protein forms F1449fs.
Identifiers: ClinVar variation 1443024 (VCV001443024.6), dbSNP rs2118912529, ClinGen allele CA2573143706.

ClinVar aggregate classification (germline): Pathogenic (1 of 4 stars; one submission).

Submission:

Labcorp Genetics (formerly Invitae), Labcorp
Classification: Pathogenic. Last evaluated: 2021-11-08. Review status: criteria provided, single submitter. Criteria: Invitae Variant Classification Sherloc (09022015). Collection method: clinical testing. Allele origin: germline.
Comment: For these reasons, this variant has been classified as Pathogenic. This variant has not been reported in the literature in individuals affected with ABCA1-related conditions. This variant is not present in population databases (gnomAD no frequency). This sequence change creates a premature translational stop signal (p.Phe1449Leufs*17) in the ABCA1 gene. It is expected to result in an absent or disrupted protein product. Loss-of-function variants in ABCA1 are known to be pathogenic (PMID: 10525055, 10760292, 20880529).

Literature cited by the submitters: PubMed 10525055; PubMed 10760292; PubMed 20880529.